The following is an entry in ClinVar:

ClinVar aggregate classification (germline): Uncertain significance (1 of 4 stars; one submission).

Conditions:
Familial thoracic aortic aneurysm and aortic dissection (TAAD). Also called: Thoracic aortic aneurysms and dissections. Identifiers: Orphanet 91387, MedGen C4707243, MONDO:0019625.

Submission:

Ambry Genetics
Classification: Uncertain significance for Familial thoracic aortic aneurysm and aortic dissection. Last evaluated: 2021-10-16. Review status: criteria provided, single submitter. Criteria: Ambry Variant Classification Scheme 2023. Collection method: clinical testing. Allele origin: germline.
Comment: The p.G1212V variant (also known as c.3635G>T), located in coding exon 22 of the NOTCH1 gene, results from a G to T substitution at nucleotide position 3635. The glycine at codon 1212 is replaced by valine, an amino acid with dissimilar properties. This amino acid position is conserved. In addition, this alteration is predicted to be deleterious by in silico analysis. Since supporting evidence is limited at this time, the clinical significance of this alteration remains unclear.

NM_017617.5(NOTCH1):c.3635G>T (p.Gly1212Val)

Gene: NOTCH1 (notch receptor 1; minus strand). Cytogenetic location: 9q34.3.
Variant type: single nucleotide variant.
Coding change: c.3635G>T on transcript NM_017617.5 (MANE Select); coding-DNA position 3635, G replaced by T.
Protein change: p.Gly1212Val; replaces glycine 1212 with valine.
Molecular consequence: missense variant.
Genome position (GRCh38, 1-based): chr9:136,507,313, C>A on the plus strand (G>T on the coding strand, the complement: NOTCH1 is on the minus strand). VCF-style: chr9-136507313-C-A. GRCh37 (hg19) VCF-style: chr9-139401765-C-A.
Other names: short protein forms G1212V.
Identifiers: ClinVar variation 1733443 (VCV001733443.2), dbSNP rs1266104990, ClinGen allele CA375549677.